The following is an entry in ClinVar:

NM_020549.5(CHAT):c.1490C>T (p.Ser497Phe)

Gene: CHAT (choline O-acetyltransferase; plus strand). Cytogenetic location: 10q11.23.
Variant type: single nucleotide variant.
Coding change: c.1490C>T on transcript NM_020549.5 (MANE Select); coding-DNA position 1490, C replaced by T.
Protein change: p.Ser497Phe; replaces serine 497 with phenylalanine.
Molecular consequence: missense variant.
Genome position (GRCh38, 1-based): chr10:49,649,615, C>T. VCF-style: chr10-49649615-C-T. GRCh37 (hg19) VCF-style: chr10-50857661-C-T.
Other names: c.1490C>T (NM_020549.4); c.1136C>T, p.Ser379Phe (NM_001142929.2, NM_001142934.2, NM_020984.4 and 2 more transcripts); c.1244C>T, p.Ser415Phe (NM_001142933.2); short protein forms S497F, S379F, S415F.
Identifiers: ClinVar variation 1524181 (VCV001524181.7), dbSNP rs141878259, ClinGen allele CA5497518.

ClinVar aggregate classification (germline): Uncertain significance. Review status: criteria provided, multiple submitters, no conflicts (2 of 4 stars). 3 submissions from 3 submitters: Uncertain significance (3). Last evaluated 2023-06-16.

Conditions:
Familial infantile myasthenia (CMS6). Also called: Congenital myasthenic syndrome type 6; MYASTHENIC SYNDROME, PRESYNAPTIC, CONGENITAL, ASSOCIATED WITH EPISODIC APNEA; MYASTHENIC SYNDROME, CONGENITAL, 6, PRESYNAPTIC. Identifiers: Orphanet 590, MedGen C0393929, MONDO:0009689, OMIM 254210.
Inborn genetic diseases. Identifiers: MedGen C0950123, MeSH D030342.

Allele frequency attached by ClinVar (database versions not stated): gnomAD 0.00001 and 0.00002; gnomAD exomes 0.00001; TOPMed 0.00001; ExAC 0.00003; 1000 Genomes Project 30x 0.00016; 1000 Genomes Project 0.00020.
gnomAD v4.1: 16 of 1,613,848 alleles (0.00099%); highest among the groups gnomAD compares: Non-Finnish European, 0.0014%; no homozygotes.

Submissions (3):

Ambry Genetics
Classification: Uncertain significance for Inborn genetic diseases. Last evaluated: 2023-06-16. Review status: criteria provided, single submitter. Criteria: Ambry Variant Classification Scheme 2023. Collection method: clinical testing. Allele origin: germline.

Labcorp Genetics (formerly Invitae), Labcorp
Classification: Uncertain significance for Familial infantile myasthenia. Last evaluated: 2021-08-15. Review status: criteria provided, single submitter. Criteria: Invitae Variant Classification Sherloc (09022015). Collection method: clinical testing. Allele origin: germline.
Comment: This sequence change replaces serine with phenylalanine at codon 497 of the CHAT protein (p.Ser497Phe). The serine residue is moderately conserved and there is a large physicochemical difference between serine and phenylalanine. This variant is present in population databases (rs141878259, ExAC 0.005%). This variant has not been reported in the literature in individuals affected with CHAT-related conditions. Advanced modeling of protein sequence and biophysical properties (such as structural, functional, and spatial information, amino acid conservation, physicochemical variation, residue mobility, and thermodynamic stability) performed at Invitae indicates that this missense variant is not expected to disrupt CHAT protein function. In summary, the available evidence is currently insufficient to determine the role of this variant in disease. Therefore, it has been classified as a Variant of Uncertain Significance.

Revvity Omics, Revvity
Classification: Uncertain significance for Familial infantile myasthenia. Last evaluated: 2019-08-28. Review status: criteria provided, single submitter. Criteria: ACMG Guidelines, 2015. Collection method: clinical testing. Allele origin: germline.